The following is an entry in ClinVar:

ClinVar aggregate classification (germline): Uncertain significance (1 of 4 stars; one submission).

Conditions:
Hereditary cancer-predisposing syndrome. Also called: Neoplastic Syndromes, Hereditary; Tumor predisposition; Hereditary Cancer Syndrome; Hereditary neoplastic syndrome. Identifiers: Orphanet 140162, MedGen C0027672, MeSH D009386, MONDO:0015356.

Submission:

Ambry Genetics
Classification: Uncertain significance for Hereditary cancer-predisposing syndrome. Last evaluated: 2026-03-23. Review status: criteria provided, single submitter. Criteria: Ambry Variant Classification Scheme 2023. Collection method: clinical testing. Allele origin: germline.
Comment: The p.Y209S variant (also known as c.626A>C), located in coding exon 4 of the RAD51C gene, results from an A to C substitution at nucleotide position 626. The tyrosine at codon 209 is replaced by serine, an amino acid with dissimilar properties. This amino acid position is well conserved in available vertebrate species. In addition, the in silico prediction for this alteration is inconclusive. Based on the available evidence, the clinical significance of this variant remains unclear.

NM_058216.3(RAD51C):c.626A>C (p.Tyr209Ser)

Genes: RAD51C (RAD51 paralog C; plus strand), LOC129390903 (MPRA-validated peak2919 silencer; plus strand). Cytogenetic location: 17q22.
Variant type: single nucleotide variant.
Coding change: c.626A>C on transcript NM_058216.3 (MANE Select); coding-DNA position 626, A replaced by C.
Protein change: p.Tyr209Ser; replaces tyrosine 209 with serine.
Molecular consequence: missense variant. On other transcripts: non-coding transcript variant (1).
Genome position (GRCh38, 1-based): chr17:58,703,250, A>C. VCF-style: chr17-58703250-A-C. GRCh37 (hg19) VCF-style: chr17-56780611-A-C.
Other names: short protein forms Y209S.
Identifiers: ClinVar variation 4862931 (VCV004862931.1).